The following is an entry in ClinVar:

ClinVar aggregate classification (germline): Uncertain significance (1 of 4 stars; one submission).

Allele frequency attached by ClinVar (database versions not stated): TOPMed 0.00001; gnomAD 0.00002 and 0.00003; gnomAD exomes 0.00002 and 0.00003; ExAC 0.00003.
gnomAD v4.1: 45 of 1,613,928 alleles (0.0028%); highest among the groups gnomAD compares: South Asian, 0.0066%; no homozygotes.

Submission:

Labcorp Genetics (formerly Invitae), Labcorp
Classification: Uncertain significance. Last evaluated: 2021-08-27. Review status: criteria provided, single submitter. Criteria: Invitae Variant Classification Sherloc (09022015). Collection method: clinical testing. Allele origin: germline.
Comment: This sequence change replaces asparagine with serine at codon 706 of the EFL1 protein (p.Asn706Ser). The asparagine residue is highly conserved and there is a small physicochemical difference between asparagine and serine. This variant is present in population databases (rs778908909, ExAC 0.02%). This variant has not been reported in the literature in individuals affected with EFL1-related conditions. Algorithms developed to predict the effect of missense changes on protein structure and function are either unavailable or do not agree on the potential impact of this missense change (SIFT: "Deleterious"; PolyPhen-2: "Possibly Damaging"; Align-GVGD: "Class C0"). In summary, the available evidence is currently insufficient to determine the role of this variant in disease. Therefore, it has been classified as a Variant of Uncertain Significance.

NM_024580.6(EFL1):c.2117A>G (p.Asn706Ser)

Gene: EFL1 (elongation factor like GTPase 1; minus strand). Cytogenetic location: 15q25.2.
Variant type: single nucleotide variant.
Coding change: c.2117A>G on transcript NM_024580.6 (MANE Select); coding-DNA position 2117, A replaced by G.
Protein change: p.Asn706Ser; replaces asparagine 706 with serine.
Molecular consequence: missense variant. On other transcripts: non-coding transcript variant (1).
Genome position (GRCh38, 1-based): chr15:82,152,337, T>C on the plus strand (A>G on the coding strand, the complement: EFL1 is on the minus strand). VCF-style: chr15-82152337-T-C. GRCh37 (hg19) VCF-style: chr15-82444678-T-C.
Other names: c.1964A>G, p.Asn655Ser (NM_001040610.3); c.1328A>G, p.Asn443Ser (NM_001322844.2); c.2117A>G, p.Asn706Ser (NM_001322845.2); short protein forms N443S, N655S, N706S.
Identifiers: ClinVar variation 1022718 (VCV001022718.6), dbSNP rs778908909, ClinGen allele CA7697797.